The following is an entry in ClinVar:

NM_000238.4(KCNH2):c.1810G>A (p.Gly604Ser)

Gene: KCNH2 (potassium voltage-gated channel subfamily H member 2; minus strand). Cytogenetic location: 7q36.1.
Variant type: single nucleotide variant.
Coding change: c.1810G>A on transcript NM_000238.4 (MANE Select); coding-DNA position 1810, G replaced by A.
Protein change: p.Gly604Ser; replaces glycine 604 with serine.
Molecular consequence: missense variant.
Genome position (GRCh38, 1-based): chr7:150,951,583, C>T on the plus strand (G>A on the coding strand, the complement: KCNH2 is on the minus strand). VCF-style: chr7-150951583-C-T. GRCh37 (hg19) VCF-style: chr7-150648671-C-T.
Other names: p.G604S:GGC>AGC; c.1810G>A (LRG_288t1); c.790G>A, p.Gly264Ser (NM_001204798.2, NM_172057.3); c.1522G>A, p.Gly508Ser (NM_001406753.1, NM_001406756.1); c.1633G>A, p.Gly545Ser (NM_001406755.1); c.1510G>A, p.Gly504Ser (NM_001406757.1); c.1810G>A, p.Gly604Ser (NM_172056.3); short protein forms G264S, G604S, G504S, G508S, G545S.
Identifiers: ClinVar variation 67281 (VCV000067281.19), dbSNP rs199473522, ClinGen allele CA005546.

ClinVar aggregate classification (germline): Pathogenic. Review status: criteria provided, multiple submitters, no conflicts (2 of 4 stars). 7 submissions from 7 submitters: Pathogenic (6). 1 of the submissions does not count toward it. Last evaluated 2025-10-20.

Conditions:
KCNH2-related disorder. Also called: KCNH2-related disorders; KCNH2-related condition.
Cardiovascular phenotype. Identifiers: MedGen CN230736.
Familial long QT syndrome (RWS). Also called: Congenital long QT syndrome; Romano-Ward syndrome; VENTRICULAR FIBRILLATION WITH PROLONGED QT INTERVAL. Identifiers: Orphanet 768, MedGen C1141890, MONDO:0019171.
Long QT syndrome (LQTS). Identifiers: MedGen C0023976, MeSH D008133, MONDO:0002442. Disease mechanism: loss of function. Inheritance: Various modes of inheritance.

Submissions (7):

Women's Health and Genetics/Laboratory Corporation of America, LabCorp
Classification: Pathogenic for Long QT syndrome. Last evaluated: 2025-10-20. Review status: criteria provided, single submitter. Criteria: LabCorp Variant Classification Summary - May 2015. Collection method: clinical testing. Allele origin: germline.
Comment: Variant summary: KCNH2 c.1810G>A (p.Gly604Ser) results in a non-conservative amino acid change in the encoded protein sequence. Algorithms developed to predict the effect of missense changes on protein structure and function all suggest that this variant is likely to be disruptive. The variant was absent in 251424 control chromosomes. c.1810G>A has been observed in the heterozygous state in multiple individuals affected with Long QT Syndrome from the same family where it segregated with disease (Zhang_2007). These data indicate that the variant is very likely to be associated with disease. At least one publication reports experimental evidence evaluating an impact on protein function. The most pronounced variant effect results in absent expression on its own and when co-expressed with wildtype (Huo_2008). The following publications have been ascertained in the context of this evaluation (PMID: 18386051, 17171344). ClinVar contains an entry for this variant (Variation ID: 67281). Based on the evidence outlined above, the variant was classified as pathogenic.

Labcorp Genetics (formerly Invitae), Labcorp
Classification: Pathogenic for Long QT syndrome. Last evaluated: 2025-08-25. Review status: criteria provided, single submitter. Criteria: Invitae Variant Classification Sherloc (09022015). Collection method: clinical testing. Allele origin: germline.
Comment: This sequence change replaces glycine, which is neutral and non-polar, with serine, which is neutral and polar, at codon 604 of the KCNH2 protein (p.Gly604Ser). This variant is not present in population databases (gnomAD no frequency). This missense change has been observed in individuals with long QT syndrome (LQT) (PMID: 10220144, 10973849, 11854117, 12566525, 14998624, 17171344, 18441445, 19843919, 22402334, 22821100, 22949429, 23158531). It has also been observed to segregate with disease in related individuals. ClinVar contains an entry for this variant (Variation ID: 67281). An algorithm developed to predict the effect of missense changes on protein structure and function (PolyPhen-2) suggests that this variant is likely to be disruptive. Experimental studies have shown that this missense change affects KCNH2 function (PMID: 18386051, 25417810). For these reasons, this variant has been classified as Pathogenic.

Ambry Genetics
Classification: Pathogenic for Cardiovascular phenotype. Last evaluated: 2025-08-07. Review status: criteria provided, single submitter. Criteria: Ambry Variant Classification Scheme 2023. Collection method: clinical testing. Allele origin: germline.
Comment: The p.G604S pathogenic mutation (also known as c.1810G>A), located in coding exon 7 of the KCNH2 gene, results from a G to A substitution at nucleotide position 1810. The glycine at codon 604 is replaced by serine, an amino acid with similar properties. This variant was identified in one or more individuals with features consistent with long QT syndrome and segregated with disease in at least one family (Jongbloed RJ et al. Hum Mutat. 1999;13:301-10; Splawski I et al. Circulation. 2000;102:1178-85; Van Langen IM et al. J Med Genet. 2003 ;40:141-5; Lupoglazoff JM et al. J Am Coll Cardiol. 2004;43:826-30; Tester DJ et al. Heart Rhythm. 2005;2:507-17; Tan HL et al. Circulation. 2006;114:2096-103; Zhang Y et al. Eur J Pediatr. 2007;166:927-33; Giudicessi JR et al. Circ Cardiovasc Genet. 2012;5:519-28; Ildarova R et al. J Electrocardiol. 2012;45:237-43; Sato A et al. Intern Med. 2012;51:1857-60). In assays testing KCNH2 function, this variant showed a functionally abnormal result (Huo J et al. Pflugers Arch. 2008;456:917-28; Anderson CL et al. Nat Commun. 2014;5:5535). This amino acid position is highly conserved in available vertebrate species. In addition, this alteration is predicted to be deleterious by in silico analysis. This variant is considered to be rare based on population cohorts in the Genome Aggregation Database (gnomAD). Based on the supporting evidence, this variant is interpreted as a disease-causing mutation.

GeneDx
Classification: Pathogenic. Last evaluated: 2024-02-18. Review status: criteria provided, single submitter. Criteria: GeneDx Variant Classification Process June 2021. Collection method: clinical testing. Allele origin: germline. Affected: yes.
Comment: In silico analysis supports that this missense variant has a deleterious effect on protein structure/function; Not observed at significant frequency in large population cohorts (gnomAD); This variant is associated with the following publications: (PMID: 25417810, 18441445, 26847485, 28741726, 22821100, 10973849, 23158531, 19843919, 36861347, 15840476, 11854117, 19716085, 19841300, 22402334, 22949429, 27199074, 28316956, 12566525, 14998624, 28516454, 28472724, 31557540, 32661217, 31737537, 32940533, 10220144, 18386051, 17171344)

Genetics and Molecular Pathology, SA Pathology
Classification: Pathogenic for Long QT syndrome. Last evaluated: 2022-01-11. Review status: criteria provided, single submitter. Criteria: ACMG Guidelines, 2015. Collection method: clinical testing. Allele origin: germline. Affected: yes.

Blueprint Genetics
Classification: Pathogenic for KCNH2-related disorders. Last evaluated: 2021-10-05. Review status: criteria provided, single submitter. Criteria: ACMG Guidelines, 2015. Collection method: clinical testing. Allele origin: germline. Affected: yes. Observed: 4 variant alleles.

Cardiovascular Biomedical Research Unit, Royal Brompton & Harefield NHS Foundation Trust
No classification provided. Condition: Familial long QT syndrome. Review status: no classification provided. Collection method: literature only. Allele origin: germline. Not counted in ClinVar's aggregate classification.
Comment: This variant has been reported as associated with Long QT syndrome in the following publications (PMID:10220144;PMID:10973849;PMID:11854117;PMID:12566525;PMID:14998624;PMID:15840476;PMID:17171344;PMID:18386051;PMID:18441445;PMID:19716085;PMID:19841300;PMID:22402334). This is a literature report, and does not necessarily reflect the clinical interpretation of the Imperial College / Royal Brompton Cardiovascular Genetics laboratory.

Literature cited by the submitters: PubMed 18386051 (cited by 4 submitters); PubMed 17171344 (cited by 4 submitters); PubMed 10220144 (cited by 3 submitters); PubMed 10973849 (cited by 3 submitters); PubMed 11854117 (cited by Labcorp Genetics (formerly Invitae), Labcorp and Cardiovascular Biomedical Research Unit, Royal Brompton & Harefield NHS Foundation Trust); PubMed 12566525 (cited by 3 submitters); PubMed 14998624 (cited by 3 submitters); PubMed 18441445 (cited by Labcorp Genetics (formerly Invitae), Labcorp and Cardiovascular Biomedical Research Unit, Royal Brompton & Harefield NHS Foundation Trust); PubMed 19843919 (cited by Labcorp Genetics (formerly Invitae), Labcorp); PubMed 22402334 (cited by 3 submitters); PubMed 22821100 (cited by Labcorp Genetics (formerly Invitae), Labcorp and Ambry Genetics); PubMed 22949429 (cited by Labcorp Genetics (formerly Invitae), Labcorp and Ambry Genetics); PubMed 23158531 (cited by Labcorp Genetics (formerly Invitae), Labcorp); PubMed 25417810 (cited by Labcorp Genetics (formerly Invitae), Labcorp and Ambry Genetics); PubMed 15840476 (cited by Ambry Genetics and Cardiovascular Biomedical Research Unit, Royal Brompton & Harefield NHS Foundation Trust); PubMed 17088455 (cited by Ambry Genetics); PubMed 19716085 (cited by Cardiovascular Biomedical Research Unit, Royal Brompton & Harefield NHS Foundation Trust); PubMed 19841300 (cited by Cardiovascular Biomedical Research Unit, Royal Brompton & Harefield NHS Foundation Trust); PubMed 22581653 (cited by Cardiovascular Biomedical Research Unit, Royal Brompton & Harefield NHS Foundation Trust).